The following is an entry in ClinVar:

ClinVar aggregate classification (germline): Likely benign (0 of 4 stars; one submission).

Conditions:
ZNF674-related disorder. Also called: ZNF674-related condition.

Allele frequency attached by ClinVar (database versions not stated): gnomAD exomes 0.00003; ExAC 0.00008; gnomAD 0.00035; TOPMed 0.00036; 1000 Genomes Project 30x 0.00042; ESP Exome Variant Server 0.00048; 1000 Genomes Project 0.00053.
gnomAD v4.1: 76 of 1,209,720 alleles (0.0063%); highest among the groups gnomAD compares: African/African-American, 0.13%; no homozygotes.

Submission:

PreventionGenetics, part of Exact Sciences
Classification: Likely benign for ZNF674-related condition. Last evaluated: 2022-02-21. Review status: no assertion criteria provided. Collection method: clinical testing. Allele origin: germline.
Comment: This variant is classified as likely benign based on ACMG/AMP sequence variant interpretation guidelines (Richards et al. 2015 PMID: 25741868, with internal and published modifications).

NM_001190417.2(ZNF674):c.1309G>T (p.Glu437Ter)

Gene: ZNF674 (zinc finger protein 674; minus strand). Cytogenetic location: Xp11.3.
Variant type: single nucleotide variant.
Coding change: c.1309G>T on transcript NM_001190417.2 (MANE Select); coding-DNA position 1309, G replaced by T.
Protein change: p.Glu437Ter; replaces glutamic acid 437 with a stop codon.
Molecular consequence: nonsense.
Genome position (GRCh38, 1-based): chrX:46,500,265, C>A on the plus strand (G>T on the coding strand, the complement: ZNF674 is on the minus strand). VCF-style: chrX-46500265-C-A. GRCh37 (hg19) VCF-style: chrX-46359700-C-A.
Other names: c.1324G>T, p.Glu442Ter (NM_001039891.3); c.1306G>T, p.Glu436Ter (NM_001146291.2); short protein forms E436*, E437*, E442*.
Identifiers: ClinVar variation 3036471 (VCV003036471.2), dbSNP rs183994849, ClinGen allele CA10393339.
Genomic context (GRCh38, chrX:46,500,265, plus strand): 5'-TTCTCTGATGTACAATAAGGGTTGACTTCTCCCCAAAGGCTTTCCCACATCTTCTGCATT[C>A]ATAAGGTTTCTCTCCTGTATGAGTTCTATGATGGACAGAGAGGTGTGACTTTCCACTGAA-3'